The following is an entry in ClinVar:

NM_001042603.3(KDM5A):c.2151-14_2151-5dup

Gene: KDM5A (lysine demethylase 5A; minus strand). Cytogenetic location: 12p13.33.
Variant type: Duplication.
Coding change: c.2151-14_2151-5dup on transcript NM_001042603.3 (MANE Select); 14 bases into the intron before coding-DNA position 2151 through 5 bases into the intron before coding-DNA position 2151, 10 bases duplicated (TTTTTTTTTT; older notation c.2151-14_2151-5dupTTTTTTTTTT).
Molecular consequence: intron variant.
Genome position (GRCh38, 1-based): chr12:323,211-323,220, AAAAAAAAAA duplicated on the plus strand (TTTTTTTTTT on the coding strand, the reverse complement: KDM5A is on the minus strand); duplicating any 10 consecutive bases within chr12:323,211-323,239 gives the same sequence; the c. name uses the placement nearest the transcript's 3' end. VCF-style (leftmost placement, unchanged base first): chr12-323210-C-CAAAAAAAAAA. GRCh37 (hg19) VCF-style: chr12-432376-C-CAAAAAAAAAA.
Identifiers: ClinVar variation 3898368 (VCV003898368.8).

ClinVar aggregate classification (germline): Likely benign. Review status: criteria provided, multiple submitters, no conflicts (2 of 4 stars). 2 submissions from 2 submitters: Likely benign (2). Last evaluated 2025-04-01.

Submissions (2):

CeGaT Center for Human Genetics Tuebingen
Classification: Likely benign. Last evaluated: 2025-04-01. Review status: criteria provided, single submitter. Criteria: CeGaT Center For Human Genetics Tuebingen Variant Classification Criteria Version 2. Collection method: clinical testing. Allele origin: germline. Affected: yes. Observed: 2 variant alleles.
Comment: KDM5A: BP4, BS2

Blueprint Genetics
Classification: Likely benign. Last evaluated: 2024-11-27. Review status: criteria provided, single submitter. Criteria: ACMG Guidelines, 2015. Collection method: clinical testing. Allele origin: germline.